The following is an entry in ClinVar:

ClinVar aggregate classification (germline): Likely pathogenic. Review status: criteria provided, multiple submitters, no conflicts (2 of 4 stars). 2 submissions from 2 submitters: Likely pathogenic (2). Last evaluated 2024-06-14.

Conditions:
Juberg-Hayward syndrome (JHS). Also called: Cleft lip/palate with abnormal thumbs and microcephaly; OROCRANIODIGITAL SYNDROME. Identifiers: Orphanet 2319, MedGen C0796099, MONDO:0008992, OMIM 216100.
Roberts-SC phocomelia syndrome (RBS). Also called: ESCO2 Spectrum Disorder; Hypomelia hypotrichosis facial hemangioma syndrome; Pseudothalidomide syndrome; Appelt-Gerken-Lenz syndrome; LONG BONE DEFICIENCIES ASSOCIATED WITH CLEFT LIP-PALATE. Identifiers: Orphanet 3103, MedGen C0392475, MONDO:0100253, OMIM 268300.

gnomAD v4.1: 2 of 1,613,792 alleles (0.00012%); highest among the groups gnomAD compares: Middle Eastern, 0.017%; no homozygotes.

Submissions (2):

Fulgent Genetics
Classification: Likely pathogenic for Juberg-Hayward syndrome; Roberts-SC phocomelia syndrome. Last evaluated: 2024-06-14. Review status: criteria provided, single submitter. Criteria: ACMG Guidelines, 2015. Collection method: clinical testing. Allele origin: germline.

Labcorp Genetics (formerly Invitae), Labcorp
Classification: Likely pathogenic. Last evaluated: 2021-03-22. Review status: criteria provided, single submitter. Criteria: Invitae Variant Classification Sherloc (09022015). Collection method: clinical testing. Allele origin: germline.
Comment: This variant is not present in population databases (ExAC no frequency). In summary, the currently available evidence indicates that the variant is pathogenic, but additional data are needed to prove that conclusively. Therefore, this variant has been classified as Likely Pathogenic. Algorithms developed to predict the effect of sequence changes on RNA splicing suggest that this variant may disrupt the consensus splice site, but this prediction has not been confirmed by published transcriptional studies. This variant has not been reported in the literature in individuals with ESCO2-related conditions. This sequence change affects a donor splice site in intron 8 of the ESCO2 gene. It is expected to disrupt RNA splicing. Variants that disrupt the donor or acceptor splice site typically lead to a loss of protein function (PMID: 16199547), and loss-of-function variants in ESCO2 are known to be pathogenic (PMID: 15821733, 16380922).

Literature cited by the submitters: PubMed 16199547 (cited by Labcorp Genetics (formerly Invitae), Labcorp); PubMed 15821733 (cited by Labcorp Genetics (formerly Invitae), Labcorp); PubMed 16380922 (cited by Labcorp Genetics (formerly Invitae), Labcorp).

NM_001017420.3(ESCO2):c.1353+1G>T

Gene: ESCO2 (establishment of sister chromatid cohesion N-acetyltransferase 2; plus strand). Cytogenetic location: 8p21.1.
Variant type: single nucleotide variant.
Coding change: c.1353+1G>T on transcript NM_001017420.3 (MANE Select); the canonical splice donor site of the intron after coding-DNA position 1353, G replaced by T.
Molecular consequence: splice donor variant.
Genome position (GRCh38, 1-based): chr8:27,792,053, G>T. VCF-style: chr8-27792053-G-T. GRCh37 (hg19) VCF-style: chr8-27649570-G-T.
Identifiers: ClinVar variation 1521082 (VCV001521082.9), dbSNP rs959080745, ClinGen allele CA174266852.